The following is an entry in ClinVar:

ClinVar aggregate classification (germline): Uncertain significance (1 of 4 stars; one submission).

Allele frequency attached by ClinVar (database versions not stated): gnomAD exomes below 0.00001; gnomAD 0.00001; TOPMed 0.00001.

Submission:

Labcorp Genetics (formerly Invitae), Labcorp
Classification: Uncertain significance. Last evaluated: 2022-07-05. Review status: criteria provided, single submitter. Criteria: Invitae Variant Classification Sherloc (09022015). Collection method: clinical testing. Allele origin: germline.
Comment: In summary, the available evidence is currently insufficient to determine the role of this variant in disease. Therefore, it has been classified as a Variant of Uncertain Significance. Algorithms developed to predict the effect of missense changes on protein structure and function are either unavailable or do not agree on the potential impact of this missense change (SIFT: "Deleterious"; PolyPhen-2: "Benign"; Align-GVGD: "Class C0"). This variant has not been reported in the literature in individuals affected with FGFRL1-related conditions. The frequency data for this variant in the population databases is considered unreliable, as metrics indicate poor data quality at this position in the gnomAD database. This sequence change replaces arginine, which is basic and polar, with glutamine, which is neutral and polar, at codon 158 of the FGFRL1 protein (p.Arg158Gln).

NM_001004356.3(FGFRL1):c.473G>A (p.Arg158Gln)

Gene: FGFRL1 (fibroblast growth factor receptor like 1; plus strand). Cytogenetic location: 4p16.3.
Variant type: single nucleotide variant.
Coding change: c.473G>A on transcript NM_001004356.3 (MANE Select); coding-DNA position 473, G replaced by A.
Protein change: p.Arg158Gln; replaces arginine 158 with glutamine.
Molecular consequence: missense variant.
Genome position (GRCh38, 1-based): chr4:1,023,856, G>A. VCF-style: chr4-1023856-G-A. GRCh37 (hg19) VCF-style: chr4-1017644-G-A.
Other names: c.473G>A, p.Arg158Gln (NM_001004358.1, NM_001370296.1, NM_021923.3); short protein forms R158Q.
Identifiers: ClinVar variation 2147799 (VCV002147799.4), dbSNP rs1405477812, ClinGen allele CA355931054.